The following is an entry in ClinVar:

NM_007294.4(BRCA1):c.3472G>A (p.Glu1158Lys)

Genes: BRCA1 (BRCA1 DNA repair associated; minus strand), LOC126862571 (BRD4-independent group 4 enhancer GRCh37_chr17:41243136-41244335; plus strand). Cytogenetic location: 17q21.31.
Variant type: single nucleotide variant.
Coding change: c.3472G>A on transcript NM_007294.4 (MANE Select); coding-DNA position 3472, G replaced by A.
Protein change: p.Glu1158Lys; replaces glutamic acid 1158 with lysine.
Molecular consequence: missense variant. On other transcripts: intron variant (135).
Genome position (GRCh38, 1-based): chr17:43,092,059, C>T on the plus strand (G>A on the coding strand, the complement: BRCA1 is on the minus strand). VCF-style: chr17-43092059-C-T. GRCh37 (hg19) VCF-style: chr17-41244076-C-T.
Other names: c.578-1027G>A (NM_001408513.1, NM_001408489.1, NM_001408479.1 and 9 more transcripts); c.521-1027G>A (NM_001408503.1, NM_001408505.1, NM_001408504.1); c.524-1027G>A (NM_001408500.1, NM_001408497.1, NM_001408496.1 and 3 more transcripts); c.647-1027G>A (NM_001408466.1, NM_001408452.1, NM_001408457.1 and 11 more transcripts); c.788-1027G>A (NM_001407973.1, NM_001408403.1, NM_001407983.1 and 17 more transcripts); c.404-1027G>A (NM_001408511.1); c.461-1027G>A (NM_001408507.1, NM_001408506.1); c.587-1027G>A (NM_001408476.1, NM_001408474.1); and 41 more; short protein forms E1111K, E1158K, E1087K, E1088K, E1117K, E1131K, E1132K, E1030K.
Identifiers: ClinVar variation 650751 (VCV000650751.15), dbSNP rs397509072, ClinGen allele CA10595038.

ClinVar aggregate classification (germline): Conflicting classifications of pathogenicity. Review status: criteria provided, conflicting classifications (1 of 4 stars). 3 submissions from 3 submitters: Uncertain significance (2); Likely benign (1). Last evaluated 2025-07-30.

Conditions:
Hereditary cancer-predisposing syndrome. Also called: Neoplastic Syndromes, Hereditary; Tumor predisposition; Hereditary Cancer Syndrome; Hereditary neoplastic syndrome. Identifiers: Orphanet 140162, MedGen C0027672, MeSH D009386, MONDO:0015356.
Hereditary breast ovarian cancer syndrome. Also called: Breast and ovarian cancer; BRCA1- and BRCA2-Associated Hereditary Breast and Ovarian Cancer; Hereditary breast and ovarian cancer; Hereditary breast and ovarian cancer syndrome (HBOC); Hereditary breast and/or ovarian cancer syndrome; Hereditary breast and ovarian cancer syndrome. Identifiers: Orphanet 145, MedGen C0677776, MeSH D061325, MONDO:0003582. Disease mechanism: loss of function.

Submissions (3):

Labcorp Genetics (formerly Invitae), Labcorp
Classification: Uncertain significance for Hereditary breast ovarian cancer syndrome. Last evaluated: 2025-07-30. Review status: criteria provided, single submitter. Criteria: Invitae Variant Classification Sherloc (09022015). Collection method: clinical testing. Allele origin: germline.
Comment: This sequence change replaces glutamic acid, which is acidic and polar, with lysine, which is basic and polar, at codon 1158 of the BRCA1 protein (p.Glu1158Lys). This variant is not present in population databases (gnomAD no frequency). This variant has not been reported in the literature in individuals affected with BRCA1-related conditions. ClinVar contains an entry for this variant (Variation ID: 650751). Invitae Evidence Modeling of protein sequence and biophysical properties (such as structural, functional, and spatial information, amino acid conservation, physicochemical variation, residue mobility, and thermodynamic stability) indicates that this missense variant is not expected to disrupt BRCA1 protein function with a negative predictive value of 80%. In summary, the available evidence is currently insufficient to determine the role of this variant in disease. Therefore, it has been classified as a Variant of Uncertain Significance.

Ambry Genetics
Classification: Uncertain significance for Hereditary cancer-predisposing syndrome. Last evaluated: 2025-02-14. Review status: criteria provided, single submitter. Criteria: Ambry Variant Classification Scheme 2023. Collection method: clinical testing. Allele origin: germline.
Comment: The p.E1158K variant (also known as c.3472G>A), located in coding exon 9 of the BRCA1 gene, results from a G to A substitution at nucleotide position 3472. The glutamic acid at codon 1158 is replaced by lysine, an amino acid with similar properties. This amino acid position is not well conserved in available vertebrate species. In addition, the in silico prediction for this alteration is inconclusive. Since supporting evidence is limited at this time, the clinical significance of this alteration remains unclear.

University of Washington Department of Laboratory Medicine, University of Washington
Classification: Likely benign for Hereditary cancer-predisposing syndrome. Last evaluated: 2023-03-23. Review status: criteria provided, single submitter. Criteria: Dines et al. (Genet Med. 2020). Collection method: curation. Allele origin: germline.
Comment: Missense variant in a coldspot region where missense variants are very unlikely to be pathogenic (PMID:31911673).

BRCA1 coldspot (exon 11 using historical exon numbering). Reclassification based on statistical prior probability